The following is an entry in ClinVar:

ClinVar aggregate classification (germline): Uncertain significance (1 of 4 stars; one submission).

Conditions:
Beckwith-Wiedemann syndrome (BWS). Also called: Exomphalos macroglossia gigantism syndrome; EMG SYNDROME. Identifiers: Orphanet 116, MedGen C0004903, MONDO:0007534, OMIM 130650.

Submission:

Labcorp Genetics (formerly Invitae), Labcorp
Classification: Uncertain significance for Beckwith-Wiedemann syndrome. Last evaluated: 2023-02-21. Review status: criteria provided, single submitter. Criteria: Invitae Variant Classification Sherloc (09022015). Collection method: clinical testing. Allele origin: germline.
Comment: This variant is not present in population databases (gnomAD no frequency). This sequence change replaces proline, which is neutral and non-polar, with arginine, which is basic and polar, at codon 298 of the CDKN1C protein (p.Pro298Arg). This variant has not been reported in the literature in individuals affected with CDKN1C-related conditions. In summary, the available evidence is currently insufficient to determine the role of this variant in disease. Therefore, it has been classified as a Variant of Uncertain Significance. Advanced modeling of protein sequence and biophysical properties (such as structural, functional, and spatial information, amino acid conservation, physicochemical variation, residue mobility, and thermodynamic stability) performed at Invitae indicates that this missense variant is not expected to disrupt CDKN1C protein function. ClinVar contains an entry for this variant (Variation ID: 1002025).

NM_001122630.2(CDKN1C):c.860C>G (p.Pro287Arg)

Gene: CDKN1C (cyclin dependent kinase inhibitor 1C; minus strand). Cytogenetic location: 11p15.4.
Variant type: single nucleotide variant.
Coding change: c.860C>G on transcript NM_001122630.2 (MANE Select); coding-DNA position 860, C replaced by G.
Protein change: p.Pro287Arg; replaces proline 287 with arginine.
Molecular consequence: missense variant.
Genome position (GRCh38, 1-based): chr11:2,884,062, G>C on the plus strand (C>G on the coding strand, the complement: CDKN1C is on the minus strand). VCF-style: chr11-2884062-G-C. GRCh37 (hg19) VCF-style: chr11-2905292-G-C.
Other names: c.893C>G, p.Pro298Arg (NM_000076.2, NM_001362474.2); c.860C>G, p.Pro287Arg (NM_001122631.2); c.328C>G, p.Gln110Glu (NM_001362475.2); short protein forms P287R, P298R, Q110E.
Identifiers: ClinVar variation 1002025 (VCV001002025.9), dbSNP rs868414645, ClinGen allele CA379144857.